The following is an entry in ClinVar:

NM_001378120.1(MBD5):c.5010C>T (p.Tyr1670=)

Gene: MBD5 (methyl-CpG binding domain protein 5; plus strand). Cytogenetic location: 2q23.1.
Variant type: single nucleotide variant.
Coding change: c.5010C>T on transcript NM_001378120.1 (MANE Select); coding-DNA position 5010, C replaced by T.
Protein change: p.Tyr1670=; no amino-acid change (tyrosine 1670 retained).
Molecular consequence: synonymous variant.
Genome position (GRCh38, 1-based): chr2:148,502,483, C>T. VCF-style: chr2-148502483-C-T. GRCh37 (hg19) VCF-style: chr2-149260052-C-T.
Other names: c.4311C>T, p.Tyr1437= (NM_018328.5).
Identifiers: ClinVar variation 388571 (VCV000388571.10), dbSNP rs1057523158, ClinGen allele CA16603837.

ClinVar aggregate classification (germline): Likely benign. Review status: criteria provided, multiple submitters, no conflicts (2 of 4 stars). 2 submissions from 2 submitters: Likely benign (2). Last evaluated 2023-12-02.

Conditions:
Intellectual developmental disorder, autosomal dominant 1. Also called: MBD5 Haploinsufficiency; Intellectual disability, autosomal dominant 1. Identifiers: Orphanet 228402, MedGen C1969562, MONDO:0007974, OMIM 156200.

Allele frequency attached by ClinVar (database versions not stated): gnomAD exomes below 0.00001.
gnomAD v4.1: 6 of 1,614,200 alleles (0.00037%); highest among the groups gnomAD compares: Non-Finnish European, 0.00042%; no homozygotes.

Submissions (2):

Labcorp Genetics (formerly Invitae), Labcorp
Classification: Likely benign for Intellectual developmental disorder, autosomal dominant 1. Last evaluated: 2023-12-02. Review status: criteria provided, single submitter. Criteria: Invitae Variant Classification Sherloc (09022015). Collection method: clinical testing. Allele origin: germline.

GeneDx
Classification: Likely benign. Last evaluated: 2016-08-26. Review status: criteria provided, single submitter. Criteria: GeneDx Variant Classification (06012015). Collection method: clinical testing. Allele origin: germline. Affected: yes.
Comment: This variant is considered likely benign or benign based on one or more of the following criteria: it is a conservative change, it occurs at a poorly conserved position in the protein, it is predicted to be benign by multiple in silico algorithms, and/or has population frequency not consistent with disease.